The following is an entry in ClinVar:

ClinVar aggregate classification (germline): Conflicting classifications of pathogenicity. Review status: criteria provided, conflicting classifications (1 of 4 stars). 5 submissions from 5 submitters: Uncertain significance (2); Likely benign (3). Last evaluated 2026-06-01.

Conditions:
Familial cold autoinflammatory syndrome 2 (FCAS2). Identifiers: Orphanet 247868, MedGen C2673198, MONDO:0012724, OMIM 611762.
NLRP12-related disorder. Also called: NLRP12-related conditions; NLRP12-related condition.
Autoinflammatory syndrome. Identifiers: Orphanet 93665, MedGen C3890737, MONDO:0019751.

Allele frequency attached by ClinVar (database versions not stated): gnomAD exomes 0.00006 and 0.00014; 1000 Genomes Project 30x 0.00016; ExAC 0.00016; gnomAD 0.00035 and 0.00040; ESP Exome Variant Server 0.00038; TOPMed 0.00041.
gnomAD v4.1: 148 of 1,614,012 alleles (0.0092%); highest among the groups gnomAD compares: African/African-American, 0.13%; no homozygotes.

Submissions (5):

CeGaT Center for Human Genetics Tuebingen
Classification: Likely benign. Last evaluated: 2026-06-01. Review status: criteria provided, single submitter. Criteria: CeGaT Center For Human Genetics Tuebingen Variant Classification Criteria Version 2. Collection method: clinical testing. Allele origin: germline. Affected: yes. Observed: 1 variant allele.
Comment: NLRP12: BP4, BS1

Labcorp Genetics (formerly Invitae), Labcorp
Classification: Likely benign for Familial cold autoinflammatory syndrome 2. Last evaluated: 2025-10-16. Review status: criteria provided, single submitter. Criteria: Invitae Variant Classification Sherloc (09022015). Collection method: clinical testing. Allele origin: germline.

PreventionGenetics, part of Exact Sciences
Classification: Uncertain significance for NLRP12-related condition. Last evaluated: 2023-01-18. Review status: criteria provided, single submitter. Criteria: ACMG Guidelines, 2015. Collection method: clinical testing. Allele origin: germline.
Comment: The NLRP12 c.2384G>A variant is predicted to result in the amino acid substitution p.Arg795Gln. To our knowledge, this variant has not been reported in the literature. This variant is reported in 0.16% of alleles in individuals of African descent in gnomAD, which may be too common to be an undocumented disease causing variant. Although we suspect that this variant may be benign, at this time, the clinical significance of this variant is uncertain due to the absence of conclusive functional and genetic evidence.

ARUP Laboratories, Molecular Genetics and Genomics, ARUP Laboratories
Classification: Likely benign for Familial cold autoinflammatory syndrome 2. Last evaluated: 2022-03-30. Review status: criteria provided, single submitter. Criteria: ARUP Molecular Germline Variant Investigation Process 2021. Collection method: clinical testing. Allele origin: germline.

Genome Diagnostics Laboratory, The Hospital for Sick Children
Classification: Uncertain significance for Autoinflammatory syndrome. Last evaluated: 2016-12-12. Review status: criteria provided, single submitter. Criteria: ACMG Guidelines, 2015. Collection method: clinical testing. Allele origin: germline. Affected: yes.

NM_144687.4(NLRP12):c.2384G>A (p.Arg795Gln)

Gene: NLRP12 (NLR family pyrin domain containing 12; minus strand). Cytogenetic location: 19q13.42.
Variant type: single nucleotide variant.
Coding change: c.2384G>A on transcript NM_144687.4 (MANE Select); coding-DNA position 2384, G replaced by A.
Protein change: p.Arg795Gln; replaces arginine 795 with glutamine.
Molecular consequence: missense variant.
Genome position (GRCh38, 1-based): chr19:53,805,310, C>T on the plus strand (G>A on the coding strand, the complement: NLRP12 is on the minus strand). VCF-style: chr19-53805310-C-T. GRCh37 (hg19) VCF-style: chr19-54308564-C-T.
Other names: c.2387G>A, p.Arg796Gln (NM_001277126.2); c.2384G>A, p.Arg795Gln (NM_001277129.1); short protein forms R795Q, R796Q.
Identifiers: ClinVar variation 1123571 (VCV001123571.16), dbSNP rs373954247, ClinGen allele CA9639103.
Genomic context (GRCh38, chr19:53,805,310, plus strand): 5'-AAGAAGTTGCTCCCGGGGATAGAGACTCACTGAATCATCTGCAGCCTGCACTGGGGATGC[C>T]GCAGGCCCTCGCAAAGCAGCATCATGCCTGGGAATCCAACGCCGTTGCCACTGAGATCCA-3'
Protein context (NP_653288.1, residues 785-805): PGMMLLCEGL[Arg795Gln]HPQCRLQMIQ